The following is an entry in ClinVar:

NM_002615.7(SERPINF1):c.278C>A (p.Ser93Ter)

Genes: SERPINF1 (serpin family F member 1; plus strand), LOC130059892 (ATAC-STARR-seq lymphoblastoid active region 11457; plus strand). Cytogenetic location: 17p13.3.
Variant type: single nucleotide variant.
Coding change: c.278C>A on transcript NM_002615.7 (MANE Select); coding-DNA position 278, C replaced by A.
Protein change: p.Ser93Ter; replaces serine 93 with a stop codon.
Molecular consequence: nonsense. On other transcripts: 5 prime UTR variant (1).
Genome position (GRCh38, 1-based): chr17:1,770,045, C>A. VCF-style: chr17-1770045-C-A. GRCh37 (hg19) VCF-style: chr17-1673339-C-A.
Other names: c.278C>A, p.Ser93Ter (NM_001329903.2); c.-284C>A (NM_001329904.2); short protein forms S93*.
Identifiers: ClinVar variation 1299366 (VCV001299366.8), dbSNP rs369973630, ClinGen allele CA397584294.
Genomic context (GRCh38, chr17:1,770,045, plus strand): 5'-GCCCCACGACCAACGTGCTCCTGTCTCCTCTCAGTGTGGCCACGGCCCTCTCGGCCCTCT[C>A]GCTGGGTGAGTGCTCAGATGCAGGAAGCCCCAGGCAGACCTGGAGAGGCCCCCTGTGGCC-3'

ClinVar aggregate classification (germline): Pathogenic. Review status: criteria provided, multiple submitters, no conflicts (2 of 4 stars). 2 submissions from 2 submitters: Pathogenic (2). Last evaluated 2022-07-05.

Conditions:
Osteogenesis imperfecta type 6. Also called: Osteogenesis imperfecta, type VI. Identifiers: Orphanet 666, MedGen C3279564, MONDO:0013515, OMIM 613982.

Submissions (2):

Labcorp Genetics (formerly Invitae), Labcorp
Classification: Pathogenic. Last evaluated: 2022-07-05. Review status: criteria provided, single submitter. Criteria: Invitae Variant Classification Sherloc (09022015). Collection method: clinical testing. Allele origin: germline.
Comment: This sequence change creates a premature translational stop signal (p.Ser93*) in the SERPINF1 gene. It is expected to result in an absent or disrupted protein product. Loss-of-function variants in SERPINF1 are known to be pathogenic (PMID: 21353196, 21826736). For these reasons, this variant has been classified as Pathogenic. ClinVar contains an entry for this variant (Variation ID: 1299366). This variant has not been reported in the literature in individuals affected with SERPINF1-related conditions. This variant is not present in population databases (gnomAD no frequency).

Center of Excellence in Precision Medicine and Digital Health (CEPMDH), Faculty of Dentistry, Chulalongkorn University
Classification: Pathogenic for Osteogenesis imperfecta type 6. Review status: criteria provided, single submitter. Criteria: ACMG Guidelines, 2015. Collection method: clinical testing. Allele origin: inherited. Inheritance: Autosomal recessive inheritance. Affected: yes. Observed: 1 variant allele, 1 homozygote.
Comment: This variant is absent from database (gnomAD, 1000 Genomes Project Consortium, dbSNPs, Thai reference exome (T-Rex) variant database) and classified as pathogenic using ACMG Guidelines.

Literature cited by the submitters: PubMed 21353196 (cited by Labcorp Genetics (formerly Invitae), Labcorp); PubMed 21826736 (cited by Labcorp Genetics (formerly Invitae), Labcorp).